The following is an entry in ClinVar:

NM_000548.5(TSC2):c.3669C>T (p.Ile1223=)

Gene: TSC2 (TSC complex subunit 2; plus strand). Cytogenetic location: 16p13.3.
Variant type: single nucleotide variant.
Coding change: c.3669C>T on transcript NM_000548.5 (MANE Select); coding-DNA position 3669, C replaced by T.
Protein change: p.Ile1223=; no amino-acid change (isoleucine 1223 retained).
Molecular consequence: synonymous variant.
Genome position (GRCh38, 1-based): chr16:2,081,653, C>T. VCF-style: chr16-2081653-C-T. GRCh37 (hg19) VCF-style: chr16-2131654-C-T.
Other names: c.3537C>T, p.Ile1179= (NM_001077183.3, NM_001370404.1); c.3669C>T, p.Ile1223= (NM_001114382.3); c.3429C>T, p.Ile1143= (NM_001318827.2); c.3393C>T, p.Ile1131= (NM_001318829.2); c.2937C>T, p.Ile979= (NM_001318831.2); c.3570C>T, p.Ile1190= (NM_001318832.2); c.3540C>T, p.Ile1180= (NM_001363528.2, NM_001370405.1, NM_021055.3).
Identifiers: ClinVar variation 1551365 (VCV001551365.9), dbSNP rs2151481655, ClinGen allele CA493043041.
Genomic context (GRCh38, chr16:2,081,653, plus strand): 5'-AGGGAACACCAGCTGGCTGATGAGCCTGGAGAACCCGCTCAGCCCTTTCTCCTCGGACAT[C>T]AACAACATGCCCCTGCAGGAGCTGTCTAACGCCCTCATGGCGGCTGAGCGCTTCAAGGAG-3'
Protein context (NP_000539.2, residues 1213-1233): ENPLSPFSSD[Ile1223=]NNMPLQELSN

ClinVar aggregate classification (germline): Benign/Likely benign. Review status: criteria provided, multiple submitters, no conflicts (2 of 4 stars). 2 submissions from 2 submitters: Benign (1); Likely benign (1). Last evaluated 2025-05-30.

Conditions:
Tuberous sclerosis 2 (TSC2). Identifiers: Orphanet 805, MedGen C1860707, MONDO:0013199, OMIM 613254.

gnomAD v4.1: 1 of 1,612,976 alleles (0.000062%); highest among the groups gnomAD compares: Non-Finnish European, 0.000085%; no homozygotes.

Submissions (2):

Myriad Genetics, Inc.
Classification: Benign for Tuberous sclerosis 2. Last evaluated: 2025-05-30. Review status: criteria provided, single submitter. Criteria: Myriad Autosomal Dominant, Autosomal Recessive and X-Linked Classification Criteria (2023). Collection method: clinical testing. Allele origin: unknown.
Comment: This variant is considered benign. This variant is a silent/synonymous amino acid change and it is not expected to impact splicing.

Labcorp Genetics (formerly Invitae), Labcorp
Classification: Likely benign for Tuberous sclerosis 2. Last evaluated: 2021-04-16. Review status: criteria provided, single submitter. Criteria: Invitae Variant Classification Sherloc (09022015). Collection method: clinical testing. Allele origin: germline.